The following is an entry in ClinVar:

NM_002860.4(ALDH18A1):c.1463C>T (p.Pro488Leu)

Gene: ALDH18A1 (aldehyde dehydrogenase 18 family member A1; minus strand). Cytogenetic location: 10q24.1.
Variant type: single nucleotide variant.
Coding change: c.1463C>T on transcript NM_002860.4 (MANE Select); coding-DNA position 1463, C replaced by T.
Protein change: p.Pro488Leu; replaces proline 488 with leucine.
Molecular consequence: missense variant.
Genome position (GRCh38, 1-based): chr10:95,621,035, G>A on the plus strand (C>T on the coding strand, the complement: ALDH18A1 is on the minus strand). VCF-style: chr10-95621035-G-A. GRCh37 (hg19) VCF-style: chr10-97380792-G-A.
Other names: c.1457C>T, p.Pro486Leu (NM_001017423.2, NM_001323415.2); c.1130C>T, p.Pro377Leu (NM_001323412.2, NM_001323416.2); c.1463C>T, p.Pro488Leu (NM_001323413.2, NM_001323414.2); c.1358C>T, p.Pro453Leu (NM_001323417.2); c.1124C>T, p.Pro375Leu (NM_001323418.2); c.827C>T, p.Pro276Leu (NM_001323419.2); short protein forms P486L, P276L, P488L, P375L, P453L, P377L.
Identifiers: ClinVar variation 2141238 (VCV002141238.4), dbSNP rs774648094, ClinGen allele CA5620318.
Genomic context (GRCh38, chr10:95,621,035, plus strand): 5'-ATATCCACACCAGCCCCCAATGGCAGGGTATTTATTCTCCCGGGGTATATACACACCTGG[G>A]GTAGACAGTCAGGACGAGATTCAAAGATCACCAGCAGAACTCCAATTGGGACAGTCACTT-3'
Protein context (NP_002851.2, residues 478-498): VIFESRPDCL[Pro488Leu]QVAALAIASG

ClinVar aggregate classification (germline): Uncertain significance (1 of 4 stars; one submission).

Conditions:
Cutis laxa, autosomal dominant 3 (ADCL3). Identifiers: Orphanet 90348, MedGen C4225268, MONDO:0014706, OMIM 616603.
Autosomal dominant spastic paraplegia type 9. Identifiers: MedGen C1832669, MONDO:0015091.
de Barsy syndrome. Also called: Cutis laxa-corneal clouding-oligophrenia syndrome. Identifiers: Orphanet 2962, MedGen C0268354, MONDO:0017569.

Allele frequency attached by ClinVar (database versions not stated): TOPMed below 0.00001; ExAC 0.00001; gnomAD 0.00001; gnomAD exomes 0.00001.

Submission:

Labcorp Genetics (formerly Invitae), Labcorp
Classification: Uncertain significance for Autosomal dominant spastic paraplegia type 9; de Barsy syndrome; Cutis laxa, autosomal dominant 3. Last evaluated: 2022-01-28. Review status: criteria provided, single submitter. Criteria: Invitae Variant Classification Sherloc (09022015). Collection method: clinical testing. Allele origin: germline.
Comment: This sequence change replaces proline, which is neutral and non-polar, with leucine, which is neutral and non-polar, at codon 488 of the ALDH18A1 protein (p.Pro488Leu). In summary, the available evidence is currently insufficient to determine the role of this variant in disease. Therefore, it has been classified as a Variant of Uncertain Significance. Algorithms developed to predict the effect of missense changes on protein structure and function (SIFT, PolyPhen-2, Align-GVGD) all suggest that this variant is likely to be disruptive. This variant has not been reported in the literature in individuals affected with ALDH18A1-related conditions. This variant is present in population databases (rs774648094, gnomAD 0.0009%).